The following is an entry in ClinVar:

NM_000051.4(ATM):c.6311G>C (p.Trp2104Ser)

Genes: ATM (ATM serine/threonine kinase; plus strand), C11orf65 (chromosome 11 open reading frame 65; minus strand). Cytogenetic location: 11q22.3.
Variant type: single nucleotide variant.
Coding change: c.6311G>C on transcript NM_000051.4 (MANE Select); coding-DNA position 6311, G replaced by C.
Protein change: p.Trp2104Ser; replaces tryptophan 2104 with serine.
Molecular consequence: missense variant. On other transcripts: intron variant (2).
Genome position (GRCh38, 1-based): chr11:108,317,485, G>C. VCF-style: chr11-108317485-G-C. GRCh37 (hg19) VCF-style: chr11-108188212-G-C.
Other names: c.6311G>C, p.Trp2104Ser (NM_001351834.2); c.641-8414C>G (NM_001330368.2); c.*39-8414C>G (NM_001351110.2); short protein forms W2104S.
Identifiers: ClinVar variation 419843 (VCV000419843.16), dbSNP rs1064794143, ClinGen allele CA16619211.

ClinVar aggregate classification (germline): Uncertain significance. Review status: criteria provided, multiple submitters, no conflicts (2 of 4 stars). 3 submissions from 3 submitters: Uncertain significance (3). Last evaluated 2025-11-03.

Conditions:
Hereditary cancer-predisposing syndrome. Also called: Neoplastic Syndromes, Hereditary; Hereditary Cancer Syndrome; Tumor predisposition; Hereditary neoplastic syndrome. Identifiers: Orphanet 140162, MedGen C0027672, MeSH D009386, MONDO:0015356.
Ataxia-telangiectasia syndrome (AT). Also called: LOUIS-BAR SYNDROME; Cerebello-oculocutaneous telangiectasia; Immunodeficiency with ataxia telangiectasia; Ataxia-telangiectasia, complementation group D; AT, COMPLEMENTATION GROUP C; Ataxia-telangiectasia, complementation group E. Identifiers: Orphanet 100, MedGen C0004135, MONDO:0008840, OMIM 208900.

Submissions (3):

Labcorp Genetics (formerly Invitae), Labcorp
Classification: Uncertain significance for Ataxia-telangiectasia syndrome. Last evaluated: 2025-11-03. Review status: criteria provided, single submitter. Criteria: Invitae Variant Classification Sherloc (09022015). Collection method: clinical testing. Allele origin: germline.
Comment: This sequence change replaces tryptophan, which is neutral and slightly polar, with serine, which is neutral and polar, at codon 2104 of the ATM protein (p.Trp2104Ser). This variant is not present in population databases (gnomAD no frequency). This variant has not been reported in the literature in individuals affected with ATM-related conditions. ClinVar contains an entry for this variant (Variation ID: 419843). Invitae Evidence Modeling of protein sequence and biophysical properties (such as structural, functional, and spatial information, amino acid conservation, physicochemical variation, residue mobility, and thermodynamic stability) indicates that this missense variant is expected to disrupt ATM protein function with a positive predictive value of 95%. In summary, the available evidence is currently insufficient to determine the role of this variant in disease. Therefore, it has been classified as a Variant of Uncertain Significance.

Ambry Genetics
Classification: Uncertain significance for Hereditary cancer-predisposing syndrome. Last evaluated: 2024-11-15. Review status: criteria provided, single submitter. Criteria: Ambry Variant Classification Scheme 2023. Collection method: clinical testing. Allele origin: germline.
Comment: The p.W2104S variant (also known as c.6311G>C), located in coding exon 42 of the ATM gene, results from a G to C substitution at nucleotide position 6311. The tryptophan at codon 2104 is replaced by serine, an amino acid with highly dissimilar properties. This amino acid position is highly conserved in available vertebrate species. In addition, this alteration is predicted to be deleterious by in silico analysis. Based on the available evidence, the clinical significance of this variant remains unclear.

GeneDx
Classification: Uncertain significance. Last evaluated: 2016-10-10. Review status: criteria provided, single submitter. Criteria: GeneDx Variant Classification (06012015). Collection method: clinical testing. Allele origin: germline. Affected: yes.
Comment: This variant is denoted ATM c.6311G>C at the cDNA level, p.Trp2104Ser (W2104S) at the protein level, and results in the change of a Tryptophan to a Serine (TGG>TCG). This variant has not, to our knowledge, been published in the literature as pathogenic or benign. ATM Trp2104Ser was not observed in approximately 6,500 individuals of European and African American ancestry in the NHLBI Exome Sequencing Project, suggesting it is not a common benign variant in these populations. Since Tryptophan and Serine differ in polarity, charge, size or other properties, this is considered a non-conservative amino acid substitution. ATM Trp2104Ser occurs at a position that is conserved across species and is located in the FAT domain (Tavtigian 2009, Stracker 2013). In silico analyses predict that this variant is probably damaging to protein structure and function. Based on currently available evidence, it is unclear whether ATM Trp2104Ser is a pathogenic or benign variant. We consider it to be a variant of uncertain significance.